The following is an entry in ClinVar:

ClinVar aggregate classification (germline): Conflicting classifications of pathogenicity. Review status: criteria provided, conflicting classifications (1 of 4 stars). 4 submissions from 4 submitters: Uncertain significance (1); Likely benign (1). 2 of the submissions do not count toward it. Last evaluated 2024-11-27.

Conditions:
Cardiovascular phenotype. Identifiers: MedGen CN230736.
Retinal dystrophy. Also called: Inherited retinal dystrophy. Identifiers: Orphanet 71862, MedGen C0854723, MeSH D058499, MONDO:0019118, HP:0000556.
Alstrom syndrome (ALMS). Identifiers: Orphanet 64, MedGen C0268425, MONDO:0008763, OMIM 203800.

Allele frequency attached by ClinVar (database versions not stated): gnomAD exomes 0.00001 and 0.00002; ExAC 0.00002; TOPMed 0.00003; gnomAD 0.00005 and 0.00006.
gnomAD v4.1: 34 of 1,613,410 alleles (0.0021%); highest among the groups gnomAD compares: Non-Finnish European, 0.0026%; no homozygotes.

Submissions (4):

Ambry Genetics
Classification: Likely benign for Cardiovascular phenotype. Last evaluated: 2024-11-27. Review status: criteria provided, single submitter. Criteria: Ambry Variant Classification Scheme 2023. Collection method: clinical testing. Allele origin: germline.

Labcorp Genetics (formerly Invitae), Labcorp
Classification: Uncertain significance for Alstrom syndrome. Last evaluated: 2022-09-27. Review status: criteria provided, single submitter. Criteria: Invitae Variant Classification Sherloc (09022015). Collection method: clinical testing. Allele origin: germline.
Comment: This sequence change replaces phenylalanine, which is neutral and non-polar, with valine, which is neutral and non-polar, at codon 2807 of the ALMS1 protein (p.Phe2807Val). This variant is present in population databases (rs763332859, gnomAD 0.006%). This variant has not been reported in the literature in individuals affected with ALMS1-related conditions. ClinVar contains an entry for this variant (Variation ID: 459892). In summary, the available evidence is currently insufficient to determine the role of this variant in disease. Therefore, it has been classified as a Variant of Uncertain Significance.

Institute of Human Genetics, Univ. Regensburg, Univ. Regensburg
Classification: Uncertain significance for Retinal dystrophy. Last evaluated: 2022-01-01. Review status: no assertion criteria provided. Criteria: ACMG Guidelines, 2015. Collection method: clinical testing. Allele origin: germline. Affected: yes. Not counted in ClinVar's aggregate classification.

Natera, Inc.
Classification: Uncertain significance for Alstrom syndrome. Last evaluated: 2021-08-27. Review status: no assertion criteria provided. Collection method: clinical testing. Allele origin: germline. Not counted in ClinVar's aggregate classification.

NM_001378454.1(ALMS1):c.8416T>G (p.Phe2806Val)

Gene: ALMS1 (ALMS1 centrosome and basal body associated protein; plus strand). Cytogenetic location: 2p13.1.
Variant type: single nucleotide variant.
Coding change: c.8416T>G on transcript NM_001378454.1 (MANE Select); coding-DNA position 8416, T replaced by G.
Protein change: p.Phe2806Val; replaces phenylalanine 2806 with valine.
Molecular consequence: missense variant.
Genome position (GRCh38, 1-based): chr2:73,490,375, T>G. VCF-style: chr2-73490375-T-G. GRCh37 (hg19) VCF-style: chr2-73717502-T-G.
Other names: c.8419T>G, p.Phe2807Val (NM_015120.4); short protein forms F2807V, F2806V.
Identifiers: ClinVar variation 459892 (VCV000459892.11), dbSNP rs763332859, ClinGen allele CA1714466.